The following is an entry in ClinVar:

NM_000287.4(PEX6):c.1133G>A (p.Trp378Ter)

Gene: PEX6 (peroxisomal biogenesis factor 6; minus strand). Cytogenetic location: 6p21.1.
Variant type: single nucleotide variant.
Coding change: c.1133G>A on transcript NM_000287.4 (MANE Select); coding-DNA position 1133, G replaced by A.
Protein change: p.Trp378Ter; replaces tryptophan 378 with a stop codon.
Molecular consequence: nonsense. On other transcripts: non-coding transcript variant (1).
Genome position (GRCh38, 1-based): chr6:42,969,985, C>T on the plus strand (G>A on the coding strand, the complement: PEX6 is on the minus strand). VCF-style: chr6-42969985-C-T. GRCh37 (hg19) VCF-style: chr6-42937723-C-T.
Other names: c.869G>A, p.Trp290Ter (NM_001316313.2); short protein forms W290*, W378*.
Identifiers: ClinVar variation 1878414 (VCV001878414.7), dbSNP rs2481236055, ClinGen allele CA364156314.

ClinVar aggregate classification (germline): Pathogenic/Likely pathogenic. Review status: criteria provided, multiple submitters, no conflicts (2 of 4 stars). 3 submissions from 3 submitters: Pathogenic (2); Likely pathogenic (1). Last evaluated 2024-05-08.

Conditions:
Peroxisome biogenesis disorder. Identifiers: Orphanet 79189, MedGen C1832200, MONDO:0019234. Disease mechanism: loss of function.

Allele frequency attached by ClinVar (database versions not stated): gnomAD exomes below 0.00001.
gnomAD v4.1: 4 of 1,613,928 alleles (0.00025%); highest among the groups gnomAD compares: Non-Finnish European, 0.00034%; no homozygotes.

Submissions (3):

Myriad Genetics, Inc.
Classification: Pathogenic for Peroxisome biogenesis disorder. Last evaluated: 2024-05-08. Review status: criteria provided, single submitter. Criteria: Myriad Autosomal Dominant, Autosomal Recessive and X-Linked Classification Criteria (2023). Collection method: clinical testing. Allele origin: unknown.
Comment: NM_000287.3(PEX6):c.1133G>A(W378*) is expected to be pathogenic in the context of peroxisome biogenesis disorder type 4. This variant is predicted to lead to an abnormal or absent protein product due to the creation of a premature termination codon in PEX6, a gene where loss-of-function variants are known to be pathogenic. Please note: this variant was assessed in the context of healthy population screening.

Labcorp Genetics (formerly Invitae), Labcorp
Classification: Pathogenic for Peroxisome biogenesis disorder. Last evaluated: 2023-10-16. Review status: criteria provided, single submitter. Criteria: Invitae Variant Classification Sherloc (09022015). Collection method: clinical testing. Allele origin: germline.
Comment: This sequence change creates a premature translational stop signal (p.Trp378*) in the PEX6 gene. It is expected to result in an absent or disrupted protein product. Loss-of-function variants in PEX6 are known to be pathogenic (PMID: 10408779, 21031596, 31831025). This variant is not present in population databases (gnomAD no frequency). This variant has not been reported in the literature in individuals affected with PEX6-related conditions. ClinVar contains an entry for this variant (Variation ID: 1878414). For these reasons, this variant has been classified as Pathogenic.

Women's Health and Genetics/Laboratory Corporation of America, LabCorp
Classification: Likely pathogenic for Peroxisome biogenesis disorder. Last evaluated: 2022-12-30. Review status: criteria provided, single submitter. Criteria: LabCorp Variant Classification Summary - May 2015. Collection method: clinical testing. Allele origin: germline.
Comment: Variant summary: PEX6 c.1133G>A (p.Trp378X) results in a premature termination codon, predicted to cause a truncation of the encoded protein or absence of the protein due to nonsense mediated decay, which are commonly known mechanisms for disease. Truncations downstream of this position have been classified as pathogenic by our laboratory. The variant was absent in 251392 control chromosomes. To our knowledge, no occurrence of c.1133G>A in individuals affected with Zellweger Syndrome and no experimental evidence demonstrating its impact on protein function have been reported. No clinical diagnostic laboratories have submitted clinical-significance assessments for this variant to ClinVar after 2014. Based on the evidence outlined above, the variant was classified as likely pathogenic.

Literature cited by the submitters: PubMed 10408779 (cited by Labcorp Genetics (formerly Invitae), Labcorp); PubMed 21031596 (cited by Labcorp Genetics (formerly Invitae), Labcorp); PubMed 31831025 (cited by Labcorp Genetics (formerly Invitae), Labcorp).